The following is an entry in ClinVar:

NM_001206744.2(TPO):c.30G>A (p.Thr10=)

Gene: TPO (thyroid peroxidase; plus strand). Cytogenetic location: 2p25.3.
Variant type: single nucleotide variant.
Coding change: c.30G>A on transcript NM_001206744.2 (MANE Select); coding-DNA position 30, G replaced by A.
Protein change: p.Thr10=; no amino-acid change (threonine 10 retained).
Molecular consequence: synonymous variant.
Genome position (GRCh38, 1-based): chr2:1,414,438, G>A. VCF-style: chr2-1414438-G-A. GRCh37 (hg19) VCF-style: chr2-1418210-G-A.
Other names: c.30G>A, p.Thr10= (NM_000547.6, NM_001206745.2, NM_175719.4 and 2 more transcripts).
Identifiers: ClinVar variation 331219 (VCV000331219.44), dbSNP rs28909989, ClinGen allele CA1511269.

ClinVar aggregate classification (germline): Conflicting classifications of pathogenicity. Review status: criteria provided, conflicting classifications (1 of 4 stars). 7 submissions from 7 submitters: Uncertain significance (1); Benign (1); Likely benign (3). 2 of the submissions do not count toward it. Last evaluated 2026-01-25.

Conditions:
Deficiency of iodide peroxidase (TDH2A). Also called: THYROID HORMONOGENESIS, GENETIC DEFECT IN, 2A; THYROID PEROXIDASE DEFICIENCY; HYPOTHYROIDISM, CONGENITAL, DUE TO DYSHORMONOGENESIS, 2A; IODIDE PEROXIDASE DEFICIENCY; Thyroid dyshormonogenesis 2A. Identifiers: Orphanet 95716, MedGen C1291299, MONDO:0010133, OMIM 274500.

Allele frequency attached by ClinVar (database versions not stated): 1000 Genomes Project 0.00180; ExAC 0.00294; 1000 Genomes Project 30x 0.00297; gnomAD exomes 0.00313; TOPMed 0.00337; gnomAD 0.00348 and 0.00362; ESP Exome Variant Server 0.00431.
gnomAD v4.1: 9,916 of 1,613,850 alleles (0.61%); highest among the groups gnomAD compares: Non-Finnish European, 0.78%; 43 homozygotes.

Submissions (7):

Labcorp Genetics (formerly Invitae), Labcorp
Classification: Benign. Last evaluated: 2026-01-25. Review status: criteria provided, single submitter. Criteria: Invitae Variant Classification Sherloc (09022015). Collection method: clinical testing. Allele origin: germline.

CeGaT Center for Human Genetics Tuebingen
Classification: Likely benign. Last evaluated: 2025-08-01. Review status: criteria provided, single submitter. Criteria: CeGaT Center For Human Genetics Tuebingen Variant Classification Criteria Version 2. Collection method: clinical testing. Allele origin: germline. Affected: yes. Observed: 5 variant alleles.
Comment: TPO: BP4, BP7, BS2

Blueprint Genetics
Classification: Likely benign. Last evaluated: 2024-11-07. Review status: criteria provided, single submitter. Criteria: ACMG Guidelines, 2015. Collection method: clinical testing. Allele origin: germline.

Illumina Laboratory Services, Illumina
Classification: Uncertain significance for Deficiency of iodide peroxidase. Last evaluated: 2018-01-12. Review status: criteria provided, single submitter. Criteria: ICSL Variant Classification Criteria 13 December 2019. Collection method: clinical testing. Allele origin: germline.

Genetic Services Laboratory, University of Chicago
Classification: Likely benign. Last evaluated: 2016-11-07. Review status: criteria provided, single submitter. Criteria: ACMG Guidelines, 2015. Collection method: clinical testing. Allele origin: germline. Affected: no.

Clinical Genetics DNA and cytogenetics Diagnostics Lab, Erasmus MC, Erasmus Medical Center
Classification: Benign. Review status: no assertion criteria provided. Collection method: clinical testing. Allele origin: germline. Affected: yes. Study: VKGL Data-share Consensus. Not counted in ClinVar's aggregate classification.

Clinical Genetics, Academic Medical Center
Classification: Benign. Review status: no assertion criteria provided. Collection method: clinical testing. Allele origin: germline. Affected: yes. Study: VKGL Data-share Consensus. Not counted in ClinVar's aggregate classification.